The following is an entry in ClinVar:

ClinVar aggregate classification (germline): Pathogenic. Review status: criteria provided, multiple submitters, no conflicts (2 of 4 stars). 3 submissions from 3 submitters: Pathogenic (3). Last evaluated 2023-09-20.

Conditions:
Lynch syndrome 4 (LYNCH4). Also called: Hereditary non-polyposis colorectal cancer, type 4; Colorectal cancer, hereditary nonpolyposis, type 4. Identifiers: Orphanet 144, MedGen C1838333, MONDO:0013699, OMIM 614337. Disease mechanism: loss of function.
Hereditary nonpolyposis colorectal neoplasms. Identifiers: MedGen C0009405, MeSH D003123.
Hereditary cancer-predisposing syndrome. Also called: Hereditary neoplastic syndrome; Neoplastic Syndromes, Hereditary; Tumor predisposition; Hereditary Cancer Syndrome. Identifiers: Orphanet 140162, MedGen C0027672, MeSH D009386, MONDO:0015356.

Submissions (3):

Myriad Genetics, Inc.
Classification: Pathogenic for Lynch syndrome 4. Last evaluated: 2023-09-20. Review status: criteria provided, single submitter. Criteria: Myriad Autosomal Dominant, Autosomal Recessive and X-Linked Classification Criteria (2023). Collection method: clinical testing. Allele origin: unknown.
Comment: This variant is considered pathogenic. This variant creates a frameshift predicted to result in premature protein truncation.

Ambry Genetics
Classification: Pathogenic for Hereditary cancer-predisposing syndrome. Last evaluated: 2022-05-17. Review status: criteria provided, single submitter. Criteria: Ambry Variant Classification Scheme 2023. Collection method: clinical testing. Allele origin: germline.
Comment: The c.1071delC variant, located in coding exon 10 of the PMS2 gene, results from a deletion of one nucleotide at nucleotide position 1071, causing a translational frameshift with a predicted alternate stop codon (p.S358Lfs*2). This variant is considered to be rare based on population cohorts in the Genome Aggregation Database (gnomAD). This alteration is expected to result in loss of function by premature protein truncation or nonsense-mediated mRNA decay. As such, this alteration is interpreted as a disease-causing mutation.

Labcorp Genetics (formerly Invitae), Labcorp
Classification: Pathogenic for Hereditary nonpolyposis colon cancer. Last evaluated: 2019-07-19. Review status: criteria provided, single submitter. Criteria: Invitae Variant Classification Sherloc (09022015). Collection method: clinical testing. Allele origin: germline.
Comment: This sequence change creates a premature translational stop signal (p.Ser358Leufs*2) in the PMS2 gene. It is expected to result in an absent or disrupted protein product. This variant is not present in population databases (ExAC no frequency). This variant has not been reported in the literature in individuals with PMS2-related conditions. Loss-of-function variants in PMS2 are known to be pathogenic (PMID: 21376568, 24362816). For these reasons, this variant has been classified as Pathogenic.

NM_000535.7(PMS2):c.1071del (p.Ser358fs)

Gene: PMS2 (PMS1 homolog 2, mismatch repair system component; minus strand). Cytogenetic location: 7p22.1.
Variant type: Deletion.
Coding change: c.1071del on transcript NM_000535.7 (MANE Select); coding-DNA position 1071, one base deleted (C; older notation c.1071delC).
Protein change: p.Ser358fs; shifts the reading frame from serine 358.
Molecular consequence: frameshift variant. On other transcripts: non-coding transcript variant (1), intron variant (2).
Genome position (GRCh38, 1-based): chr7:5,989,873, G deleted on the plus strand (C on the coding strand, the reverse complement: PMS2 is on the minus strand); the first of 2 consecutive G bases (chr7:5,989,873-5,989,874); deleting either gives the same sequence. VCF-style (leftmost placement, unchanged base first): chr7-5989872-AG-A. GRCh37 (hg19) VCF-style: chr7-6029503-AG-A.
Other names: c.1071delC (NM_000535.5); c.666del, p.Ser223fs (NM_001322003.2, NM_001322004.2, NM_001322005.2 and 1 more transcripts); c.753del, p.Ser252fs (NM_001322007.2, NM_001322008.2); c.138del, p.Ser47fs (NM_001322011.2, NM_001322012.2); c.498del, p.Ser167fs (NM_001322013.2); c.1071del, p.Ser358fs (NM_001322014.2); c.762del, p.Ser255fs (NM_001322015.2); c.583+2100del (NM_001322010.2); and 1 more; short protein forms S223fs, S47fs, S252fs, S255fs, S167fs, S358fs.
Identifiers: ClinVar variation 941842 (VCV000941842.4), dbSNP rs1783529876, ClinGen allele CA891841992.